The following is an entry in ClinVar:

NM_007215.4(POLG2):c.511C>T (p.Leu171Phe)

Genes: POLG2 (DNA polymerase gamma 2, accessory subunit; minus strand), MILR1 (mast cell immunoglobulin like receptor 1; plus strand). Cytogenetic location: 17q23.3.
Variant type: single nucleotide variant.
Coding change: c.511C>T on transcript NM_007215.4 (MANE Select); coding-DNA position 511, C replaced by T.
Protein change: p.Leu171Phe; replaces leucine 171 with phenylalanine.
Molecular consequence: missense variant.
Genome position (GRCh38, 1-based): chr17:64,496,458, G>A on the plus strand (C>T on the coding strand, the complement: POLG2 is on the minus strand). VCF-style: chr17-64496458-G-A. GRCh37 (hg19) VCF-style: chr17-62492576-G-A.
Other names: short protein forms L171F.
Identifiers: ClinVar variation 2041287 (VCV002041287.4), dbSNP rs1401545001, ClinGen allele CA400640779.

ClinVar aggregate classification (germline): Uncertain significance (1 of 4 stars; one submission).

Submission:

Labcorp Genetics (formerly Invitae), Labcorp
Classification: Uncertain significance. Last evaluated: 2022-06-14. Review status: criteria provided, single submitter. Criteria: Invitae Variant Classification Sherloc (09022015). Collection method: clinical testing. Allele origin: germline.
Comment: This sequence change replaces leucine, which is neutral and non-polar, with phenylalanine, which is neutral and non-polar, at codon 171 of the POLG2 protein (p.Leu171Phe). This variant is not present in population databases (gnomAD no frequency). This variant has not been reported in the literature in individuals affected with POLG2-related conditions. Algorithms developed to predict the effect of missense changes on protein structure and function are either unavailable or do not agree on the potential impact of this missense change (SIFT: "Deleterious"; PolyPhen-2: "Probably Damaging"; Align-GVGD: "Class C0"). In summary, the available evidence is currently insufficient to determine the role of this variant in disease. Therefore, it has been classified as a Variant of Uncertain Significance.